The following is an entry in ClinVar:

ClinVar aggregate classification (germline): Uncertain significance (1 of 4 stars; one submission).

Conditions:
Hepatic methionine adenosyltransferase deficiency. Also called: MAT I/III DEFICIENCY; Methionine adenosyltransferase deficiency; Deficiency of methionine adenosyltransferase; Isolated Persistent Hypermethioninemia. Identifiers: Orphanet 168598, MedGen C0268621, MeSH C564683, MONDO:0009607, OMIM 250850.

Submission:

Labcorp Genetics (formerly Invitae), Labcorp
Classification: Uncertain significance for Hepatic methionine adenosyltransferase deficiency. Last evaluated: 2024-10-12. Review status: criteria provided, single submitter. Criteria: Invitae Variant Classification Sherloc (09022015). Collection method: clinical testing. Allele origin: germline.
Comment: This sequence change replaces leucine, which is neutral and non-polar, with arginine, which is basic and polar, at codon 176 of the MAT1A protein (p.Leu176Arg). This variant is not present in population databases (gnomAD no frequency). This variant has not been reported in the literature in individuals affected with MAT1A-related conditions. Invitae Evidence Modeling of protein sequence and biophysical properties (such as structural, functional, and spatial information, amino acid conservation, physicochemical variation, residue mobility, and thermodynamic stability) indicates that this missense variant is expected to disrupt MAT1A protein function with a positive predictive value of 80%. In summary, the available evidence is currently insufficient to determine the role of this variant in disease. Therefore, it has been classified as a Variant of Uncertain Significance.

NM_000429.3(MAT1A):c.527T>G (p.Leu176Arg)

Gene: MAT1A (methionine adenosyltransferase 1A; minus strand). Cytogenetic location: 10q22.3.
Variant type: single nucleotide variant.
Coding change: c.527T>G on transcript NM_000429.3 (MANE Select); coding-DNA position 527, T replaced by G.
Protein change: p.Leu176Arg; replaces leucine 176 with arginine.
Molecular consequence: missense variant.
Genome position (GRCh38, 1-based): chr10:80,280,195, A>C on the plus strand (T>G on the coding strand, the complement: MAT1A is on the minus strand). VCF-style: chr10-80280195-A-C. GRCh37 (hg19) VCF-style: chr10-82039951-A-C.
Other names: short protein forms L176R.
Identifiers: ClinVar variation 3678179 (VCV003678179.2).